The following is an entry in ClinVar:

NM_001377458.1(CLCC1):c.817A>G (p.Thr273Ala)

Gene: CLCC1 (chloride channel CLIC like 1; minus strand). Cytogenetic location: 1p13.3.
Variant type: single nucleotide variant.
Coding change: c.817A>G on transcript NM_001377458.1 (MANE Select); coding-DNA position 817, A replaced by G.
Protein change: p.Thr273Ala; replaces threonine 273 with alanine.
Molecular consequence: missense variant. On other transcripts: non-coding transcript variant (1), intron variant (1).
Genome position (GRCh38, 1-based): chr1:108,940,122, T>C on the plus strand (A>G on the coding strand, the complement: CLCC1 is on the minus strand). VCF-style: chr1-108940122-T-C. GRCh37 (hg19) VCF-style: chr1-109482744-T-C.
Other names: c.817A>G, p.Thr273Ala (NM_001048210.3, NM_001377459.1, NM_001377460.1 and 8 more transcripts); c.454A>G, p.Thr152Ala (NM_001278202.2); c.715A>G, p.Thr239Ala (NM_001377469.1); c.526A>G, p.Thr176Ala (NM_001377470.1); c.667A>G, p.Thr223Ala (NM_015127.5); c.340-340A>G (NM_001278203.1); short protein forms T176A, T152A, T223A, T239A, T273A.
Identifiers: ClinVar variation 1407226 (VCV001407226.8), dbSNP rs2101639753, ClinGen allele CA341460550.

ClinVar aggregate classification (germline): Uncertain significance (1 of 4 stars; one submission).

Submission:

Labcorp Genetics (formerly Invitae), Labcorp
Classification: Uncertain significance. Last evaluated: 2021-07-25. Review status: criteria provided, single submitter. Criteria: Invitae Variant Classification Sherloc (09022015). Collection method: clinical testing. Allele origin: germline.
Comment: This sequence change replaces threonine with alanine at codon 273 of the CLCC1 protein (p.Thr273Ala). The threonine residue is highly conserved and there is a small physicochemical difference between threonine and alanine. In summary, the available evidence is currently insufficient to determine the role of this variant in disease. Therefore, it has been classified as a Variant of Uncertain Significance. Algorithms developed to predict the effect of missense changes on protein structure and function are either unavailable or do not agree on the potential impact of this missense change (SIFT: "Deleterious"; PolyPhen-2: "Probably Damaging"; Align-GVGD: "Class C0"). This variant has not been reported in the literature in individuals affected with CLCC1-related conditions. This variant is not present in population databases (ExAC no frequency).